The following is an entry in ClinVar:

NM_002972.4(SBF1):c.3765C>T (p.Tyr1255=)

Gene: SBF1 (SET binding factor 1; minus strand). Cytogenetic location: 22q13.33.
Variant type: single nucleotide variant.
Coding change: c.3765C>T on transcript NM_002972.4 (MANE Select); coding-DNA position 3765, C replaced by T.
Protein change: p.Tyr1255=; no amino-acid change (tyrosine 1255 retained).
Molecular consequence: synonymous variant.
Genome position (GRCh38, 1-based): chr22:50,459,316, G>A on the plus strand (C>T on the coding strand, the complement: SBF1 is on the minus strand). VCF-style: chr22-50459316-G-A. GRCh37 (hg19) VCF-style: chr22-50897745-G-A.
Other names: p.Tyr1255=; c.3768C>T, p.Tyr1256= (NM_001365819.1).
Identifiers: ClinVar variation 374475 (VCV000374475.63), dbSNP rs201985055, ClinGen allele CA10316579.

ClinVar aggregate classification (germline): Benign/Likely benign. Review status: criteria provided, multiple submitters, no conflicts (2 of 4 stars). 7 submissions from 7 submitters: Benign (1); Likely benign (4). 2 of the submissions do not count toward it. Last evaluated 2026-03-01.

Conditions:
Charcot-Marie-Tooth disease type 4B3. Also called: Charcot-Marie-Tooth Neuropathy Type 4B3; CHARCOT-MARIE-TOOTH DISEASE, DEMYELINATING, TYPE 4B3. Identifiers: Orphanet 363981, MedGen C3695063, MONDO:0014117, OMIM 615284.

Allele frequency attached by ClinVar (database versions not stated): 1000 Genomes Project 30x 0.00047; 1000 Genomes Project 0.00060; ESP Exome Variant Server 0.00095; TOPMed 0.00095; gnomAD 0.00098 and 0.00100; gnomAD exomes 0.00140 and 0.00171; ExAC 0.00161.
gnomAD v4.1: 2,613 of 1,612,666 alleles (0.16%); highest among the groups gnomAD compares: Non-Finnish European, 0.18%; 4 homozygotes.

Submissions (7):

CeGaT Center for Human Genetics Tuebingen
Classification: Likely benign. Last evaluated: 2026-03-01. Review status: criteria provided, single submitter. Criteria: CeGaT Center For Human Genetics Tuebingen Variant Classification Criteria Version 2. Collection method: clinical testing. Allele origin: germline. Affected: yes. Observed: 5 variant alleles.
Comment: SBF1: BP4, BP7

Labcorp Genetics (formerly Invitae), Labcorp
Classification: Benign. Last evaluated: 2026-01-31. Review status: criteria provided, single submitter. Criteria: Invitae Variant Classification Sherloc (09022015). Collection method: clinical testing. Allele origin: germline.

Blueprint Genetics
Classification: Likely benign. Last evaluated: 2024-10-25. Review status: criteria provided, single submitter. Criteria: ACMG Guidelines, 2015. Collection method: clinical testing. Allele origin: germline.

Mayo Clinic Laboratories, Mayo Clinic
Classification: Likely benign. Last evaluated: 2024-06-27. Review status: criteria provided, single submitter. Criteria: ACMG Guidelines, 2015. Collection method: clinical testing. Allele origin: germline. Observed: 3 variant alleles.
Comment: BP4, BP7

ARUP Laboratories, Molecular Genetics and Genomics, ARUP Laboratories
Classification: Likely benign for Charcot-Marie-Tooth disease type 4B3. Last evaluated: 2021-10-04. Review status: criteria provided, single submitter. Criteria: ARUP Molecular Germline Variant Investigation Process 2021. Collection method: clinical testing. Allele origin: germline.

Clinical Genetics, Academic Medical Center
Classification: Benign. Review status: no assertion criteria provided. Collection method: clinical testing. Allele origin: germline. Affected: yes. Study: VKGL Data-share Consensus. Not counted in ClinVar's aggregate classification.

Genome Diagnostics Laboratory, University Medical Center Utrecht
Classification: Likely benign. Review status: no assertion criteria provided. Collection method: clinical testing. Allele origin: germline. Affected: yes. Study: VKGL Data-share Consensus. Not counted in ClinVar's aggregate classification.